The following is an entry in ClinVar:

NM_002693.3(POLG):c.1477C>G (p.Gln493Glu)

Gene: POLG (DNA polymerase gamma, catalytic subunit; minus strand). Cytogenetic location: 15q26.1.
Variant type: single nucleotide variant.
Coding change: c.1477C>G on transcript NM_002693.3 (MANE Select); coding-DNA position 1477, C replaced by G.
Protein change: p.Gln493Glu; replaces glutamine 493 with glutamic acid.
Molecular consequence: missense variant.
Genome position (GRCh38, 1-based): chr15:89,327,020, G>C on the plus strand (C>G on the coding strand, the complement: POLG is on the minus strand). VCF-style: chr15-89327020-G-C. GRCh37 (hg19) VCF-style: chr15-89870251-G-C.
Other names: c.1477C>G, p.Gln493Glu (NM_001126131.2); short protein forms Q493E.
Identifiers: ClinVar variation 1520971 (VCV001520971.5), dbSNP rs1404711461, ClinGen allele CA393761027.

ClinVar aggregate classification (germline): Uncertain significance (1 of 4 stars; one submission).

Conditions:
Progressive sclerosing poliodystrophy (MTDPS4A). Also called: ALPERS PROGRESSIVE INFANTILE POLIODYSTROPHY; NEURONAL DEGENERATION OF CHILDHOOD WITH LIVER DISEASE, PROGRESSIVE; Mitochondrial DNA Depletion Syndrome 4A; Alpers-Huttenlocher Syndrome (AHS); Alpers Syndrome; ALPERS DIFFUSE DEGENERATION OF CEREBRAL GRAY MATTER WITH HEPATIC CIRRHOSIS. Identifiers: Orphanet 726, MedGen C0205710, MONDO:0008758, OMIM 203700.

Allele frequency attached by ClinVar (database versions not stated): gnomAD exomes 0.00001.
gnomAD v4.1: 2 of 1,614,132 alleles (0.00012%); highest among the groups gnomAD compares: Admixed American, 0.0017%; no homozygotes.

Submission:

Labcorp Genetics (formerly Invitae), Labcorp
Classification: Uncertain significance for Progressive sclerosing poliodystrophy. Last evaluated: 2024-05-15. Review status: criteria provided, single submitter. Criteria: Invitae Variant Classification Sherloc (09022015). Collection method: clinical testing. Allele origin: germline.
Comment: This sequence change replaces glutamine, which is neutral and polar, with glutamic acid, which is acidic and polar, at codon 493 of the POLG protein (p.Gln493Glu). This variant is present in population databases (no rsID available, gnomAD 0.003%). This variant has not been reported in the literature in individuals affected with POLG-related conditions. ClinVar contains an entry for this variant (Variation ID: 1520971). Advanced modeling of protein sequence and biophysical properties (such as structural, functional, and spatial information, amino acid conservation, physicochemical variation, residue mobility, and thermodynamic stability) performed at Invitae indicates that this missense variant is expected to disrupt POLG protein function with a positive predictive value of 95%. In summary, the available evidence is currently insufficient to determine the role of this variant in disease. Therefore, it has been classified as a Variant of Uncertain Significance.